The following is an entry in ClinVar:

NM_001008537.3(NEXMIF):c.3782G>C (p.Cys1261Ser)

Gene: NEXMIF (neurite extension and migration factor; minus strand). Cytogenetic location: Xq13.3.
Variant type: single nucleotide variant.
Coding change: c.3782G>C on transcript NM_001008537.3 (MANE Select); coding-DNA position 3782, G replaced by C.
Protein change: p.Cys1261Ser; replaces cysteine 1261 with serine.
Molecular consequence: missense variant.
Genome position (GRCh38, 1-based): chrX:74,740,775, C>G on the plus strand (G>C on the coding strand, the complement: NEXMIF is on the minus strand). VCF-style: chrX-74740775-C-G. GRCh37 (hg19) VCF-style: chrX-73960610-C-G.
Other names: short protein forms C1261S.
Identifiers: ClinVar variation 541129 (VCV000541129.10), dbSNP rs1339493509, ClinGen allele CA413664764.
Genomic context (GRCh38, chrX:74,740,775, plus strand): 5'-CCAGAAAGTCCCTTTTGACTTGGCATCTTCATAGAGGCCATAGGGCCACCATGTTGGATA[C>G]ATTCAGCCAATGTCTTCCCAGTGGAGGATATGGTGTTGGTTTGGCTTCCCCCACGGCCAA-3'
Protein context (NP_001008537.1, residues 1251-1271): ISSTGKTLAE[Cys1261Ser]IQHGGPMASM

ClinVar aggregate classification (germline): Uncertain significance (1 of 4 stars; one submission).

Allele frequency attached by ClinVar (database versions not stated): TOPMed 0.00001; gnomAD exomes 0.00001.

Submission:

Labcorp Genetics (formerly Invitae), Labcorp
Classification: Uncertain significance. Last evaluated: 2020-11-16. Review status: criteria provided, single submitter. Criteria: Invitae Variant Classification Sherloc (09022015). Collection method: clinical testing. Allele origin: germline.
Comment: In summary, the available evidence is currently insufficient to determine the role of this variant in disease. Therefore, it has been classified as a Variant of Uncertain Significance. Algorithms developed to predict the effect of missense changes on protein structure and function (SIFT, PolyPhen-2, Align-GVGD) all suggest that this variant is likely to be tolerated, but these predictions have not been confirmed by published functional studies and their clinical significance is uncertain. This variant has not been reported in the literature in individuals with KIAA2022-related disease. This variant is not present in population databases (ExAC no frequency). This sequence change replaces cysteine with serine at codon 1261 of the KIAA2022 protein (p.Cys1261Ser). The cysteine residue is highly conserved and there is a moderate physicochemical difference between cysteine and serine.